The following is an entry in ClinVar:

ClinVar aggregate classification (germline): Likely benign. Review status: criteria provided, multiple submitters, no conflicts (2 of 4 stars). 2 submissions from 2 submitters: Likely benign (2). Last evaluated 2025-06-29.

Conditions:
Intellectual disability. Also called: Intellectual developmental disorder; Intellectual functioning disability; intellectual disabilities. Identifiers: MedGen C3714756, MeSH D008607, MONDO:0001071, HP:0001249.

Allele frequency attached by ClinVar (database versions not stated): gnomAD exomes 0.00001; TOPMed 0.00002; gnomAD 0.00002; ExAC 0.00001.
gnomAD v4.1: 27 of 1,593,542 alleles (0.0017%); highest among the groups gnomAD compares: Middle Eastern, 0.083%; no homozygotes.

Submissions (2):

Labcorp Genetics (formerly Invitae), Labcorp
Classification: Likely benign for Intellectual disability. Last evaluated: 2025-06-29. Review status: criteria provided, single submitter. Criteria: Invitae Variant Classification Sherloc (09022015). Collection method: clinical testing. Allele origin: germline.

GeneDx
Classification: Likely benign. Last evaluated: 2018-02-01. Review status: criteria provided, single submitter. Criteria: GeneDx Variant Classification (06012015). Collection method: clinical testing. Allele origin: germline. Affected: yes.
Comment: This variant is considered likely benign or benign based on one or more of the following criteria: it is a conservative change, it occurs at a poorly conserved position in the protein, it is predicted to be benign by multiple in silico algorithms, and/or has population frequency not consistent with disease.

NM_001371727.1(GABRB2):c.459-15C>T

Gene: GABRB2 (gamma-aminobutyric acid type A receptor subunit beta2; minus strand). Cytogenetic location: 5q34.
Variant type: single nucleotide variant.
Coding change: c.459-15C>T on transcript NM_001371727.1 (MANE Select); 15 bases into the intron before coding-DNA position 459, C replaced by T.
Molecular consequence: intron variant.
Genome position (GRCh38, 1-based): chr5:161,411,072, G>A on the plus strand (C>T on the coding strand, the complement: GABRB2 is on the minus strand). VCF-style: chr5-161411072-G-A. GRCh37 (hg19) VCF-style: chr5-160838078-G-A.
Other names: c.459-15C>T (NM_000813.3, NM_021911.3).
Identifiers: ClinVar variation 507709 (VCV000507709.9), dbSNP rs759328020, ClinGen allele CA3543583.